The following is an entry in ClinVar:

NM_004168.4(SDHA):c.1663+3G>C

Gene: SDHA (succinate dehydrogenase complex flavoprotein subunit A; plus strand). Cytogenetic location: 5p15.33.
Variant type: single nucleotide variant.
Coding change: c.1663+3G>C on transcript NM_004168.4 (MANE Select); 3 bases into the intron after coding-DNA position 1663, G replaced by C.
Molecular consequence: intron variant.
Genome position (GRCh38, 1-based): chr5:251,106, G>C. VCF-style: chr5-251106-G-C. GRCh37 (hg19) VCF-style: chr5-251221-G-C.
Other names: c.1663+3G>C (NM_004168.2); c.1552-3287G>C (NM_001330758.2); c.1519+3G>C (NM_001294332.2).
Identifiers: ClinVar variation 577461 (VCV000577461.22), dbSNP rs751904543, ClinGen allele CA3173315.

ClinVar aggregate classification (germline): Conflicting classifications of pathogenicity. Review status: criteria provided, conflicting classifications (1 of 4 stars). 9 submissions from 9 submitters: Pathogenic (1); Likely pathogenic (5); Uncertain significance (1). 2 of the submissions do not count toward it. Last evaluated 2025-11-17.

Conditions:
Pheochromocytoma/paraganglioma syndrome 5. Also called: Paragangliomas 5; SDHA-Related Hereditary Paraganglioma-Pheochromocytoma Syndrome. Identifiers: Orphanet 29072, MedGen C3279992, MONDO:0013602, OMIM 614165.
Gastrointestinal stromal tumor. Also called: Gastrointestinal stromal tumor, somatic; Gastrointestinal stroma tumor. Identifiers: Orphanet 44890, MedGen C0238198, MeSH D046152, MONDO:0011719, OMIM 606764, HP:0100723.
SDHA-related disorder. Also called: SDHA-related disorders; SDHA-related condition.
Mitochondrial complex II deficiency, nuclear type 1. Also called: SUCCINATE CoQ REDUCTASE DEFICIENCY. Identifiers: Orphanet 3208, MedGen C5700310, MONDO:0100294, OMIM 252011.
Hereditary cancer-predisposing syndrome. Also called: Hereditary neoplastic syndrome; Neoplastic Syndromes, Hereditary; Hereditary Cancer Syndrome; Tumor predisposition. Identifiers: Orphanet 140162, MedGen C0027672, MeSH D009386, MONDO:0015356.

Allele frequency attached by ClinVar (database versions not stated): ExAC 0.00001; TOPMed 0.00001; gnomAD exomes 0.00002; gnomAD 0.00003 and 0.00004.
gnomAD v4.1: 22 of 1,611,152 alleles (0.0014%); highest among the groups gnomAD compares: Admixed American, 0.0033%; no homozygotes.

Submissions (9):

Labcorp Genetics (formerly Invitae), Labcorp
Classification: Pathogenic for Pheochromocytoma/paraganglioma syndrome 5; Mitochondrial complex II deficiency, nuclear type 1. Last evaluated: 2025-11-17. Review status: criteria provided, single submitter. Criteria: Invitae Variant Classification Sherloc (09022015). Collection method: clinical testing. Allele origin: germline.
Comment: This sequence change falls in intron 12 of the SDHA gene. It does not directly change the encoded amino acid sequence of the SDHA protein. RNA analysis indicates that this variant induces altered splicing and may result in an absent or altered protein product. This variant is present in population databases (rs751904543, gnomAD 0.006%). This variant has been observed in individuals with gastrointestinal stromal tumor and paraganglioma (PMID: 23060355, 30877234; internal data). ClinVar contains an entry for this variant (Variation ID: 577461). Variants that disrupt the consensus splice site are a relatively common cause of aberrant splicing (PMID: 17576681, 9536098). Studies have shown that this variant results in skipping of exon 12, and produces a non-functional protein and/or introduces a premature termination codon (internal data). For these reasons, this variant has been classified as Pathogenic.

Clinical Genetics and Genomics, Karolinska University Hospital
Classification: Likely pathogenic for Pheochromocytoma/paraganglioma syndrome 5. Last evaluated: 2025-02-17. Review status: criteria provided, single submitter. Criteria: ACMG Guidelines, 2015. Collection method: clinical testing. Allele origin: germline. Inheritance: Autosomal dominant inheritance. Affected: yes.

Ambry Genetics
Classification: Likely pathogenic for Hereditary cancer-predisposing syndrome. Last evaluated: 2024-12-31. Review status: criteria provided, single submitter. Criteria: Ambry Variant Classification Scheme 2023. Collection method: clinical testing. Allele origin: germline.
Comment: The c.1663+3G>C intronic variant results from a G to C substitution 3 nucleotides after coding exon 12 in the SDHA gene. This alteration has been detected in two individuals with a paraganglioma; tumor analyses showed the presence of a somatic pathogenic SDHA mutation and/or loss of SDHA and SDHB by immunohistochemistry (Ben Aim L et al. J Med Genet, 2019 08;56:513-520). In addition, this variant was identified in a gastrointestinal stromal tumor with negative SDHA immunostaining, as well as non-neoplastic tissue of the same patient (Dwight T et al. Am J Surg Pathol, 2013 Feb;37:226-33). This nucleotide position is well conserved in available vertebrate species. In silico splice site analysis predicts that this alteration will weaken the native splice donor site. RNA studies have demonstrated that this alteration results in abnormal splicing (Ben Aim L et al. J Med Genet, 2019 08;56:513-520; Ambry internal data). Based on the majority of available evidence to date, this variant is likely to be pathogenic.

Quest Diagnostics Nichols Institute San Juan Capistrano
Classification: Likely pathogenic. Last evaluated: 2024-09-11. Review status: criteria provided, single submitter. Criteria: Quest Diagnostics criteria. Collection method: clinical testing. Allele origin: unknown.
Comment: The SDHA c.1663+3G>C variant has been reported in the published literature in individuals with gastrointestinal stromal tumors (PMIDs: 23060355 (2015) and 35059314 (2021)), as well as in individuals with paragangliomas (PMID: 30877234 (2019)). A functional study demonstrated that abnormal splicing led to skipping of exon 12 (PMID: 30877234 (2019)). The frequency of this variant in the general population, 0.000097 (3/30876 chromosomes (Genome Aggregation Database)), is uninformative in the assessment of its pathogenicity. Analysis of this variant using software algorithms for the prediction of the effect of nucleotide changes on splicing yielded predictions that this variant may affect proper SDHA mRNA splicing. Based on the available information, this variant is classified as likely pathogenic.

Blueprint Genetics
Classification: Uncertain significance. Last evaluated: 2024-07-26. Review status: criteria provided, single submitter. Criteria: ACMG Guidelines, 2015. Collection method: clinical testing. Allele origin: germline.

Myriad Genetics, Inc.
Classification: Likely pathogenic for Pheochromocytoma/paraganglioma syndrome 5. Last evaluated: 2024-02-08. Review status: criteria provided, single submitter. Criteria: Myriad Autosomal Dominant, Autosomal Recessive and X-Linked Classification Criteria (2023). Collection method: clinical testing. Allele origin: unknown.
Comment: This variant is considered likely pathogenic. This variant has been reported in multiple individuals with clinical features of gene-specific disease [PMID: 30877234, 35059314]. mRNA analysis has demonstrated abnormal mRNA splicing occurs [PMID: 30877234].

Clinical Genetics Laboratory, Skane University Hospital Lund
Classification: Likely pathogenic. Last evaluated: 2023-05-25. Review status: criteria provided, single submitter. Criteria: ACMG Guidelines, 2015. Collection method: clinical testing. Allele origin: germline. Affected: yes.

PreventionGenetics, part of Exact Sciences
Classification: Likely pathogenic for SDHA-related condition. Last evaluated: 2024-03-08. Review status: no assertion criteria provided. Collection method: clinical testing. Allele origin: germline. Not counted in ClinVar's aggregate classification.
Comment: The SDHA c.1663+3G>C variant is predicted to interfere with splicing. This variant has been reported in individuals with gastrointestinal stromal tumors and individuals with paragangliomas (Dwight et al. 2013. PubMed ID: 23060355; Pantaleo et al. 2022. PubMed ID: 35059314; Ben Aim et al. 2019. PubMed ID: 30877234). This variant is reported in 0.0054% of alleles in individuals of East Asian descent in gnomAD. This variant is predicted to alter canonical splice site by all splicing prediction programs (Alamut Visual Plus v1.6.1). RNA study suggests this variant results in abnormal splicing (Ben Aim et al. 2019. PubMed ID: 30877234). This variant is interpreted as pathogenic, likely pathogenic or a variant of uncertain significance in ClinVar. This variant is interpreted as likely pathogenic.

“Giorgio Prodi” Cancer Research Center, University of Bologna
Classification: Uncertain significance for Gastrointestinal stromal tumor. Last evaluated: 2021-10-01. Review status: flagged submission. Criteria: ACMG Guidelines, 2015. Collection method: research. Allele origin: germline. Affected: yes. Observed: 1 variant allele. Not counted in ClinVar's aggregate classification.
ClinVar note: Reason: Older and outlier claim with insufficient supporting evidence

Literature cited by the submitters: PubMed 23060355 (cited by 3 submitters); PubMed 30877234 (cited by 4 submitters); PubMed 17576681 (cited by Labcorp Genetics (formerly Invitae), Labcorp); PubMed 9536098 (cited by Labcorp Genetics (formerly Invitae), Labcorp); PubMed 35059314 (cited by Quest Diagnostics Nichols Institute San Juan Capistrano and Myriad Genetics, Inc.).